The following is an entry in ClinVar:

ClinVar aggregate classification (germline): Uncertain significance. Review status: criteria provided, multiple submitters, no conflicts (2 of 4 stars). 2 submissions from 2 submitters: Uncertain significance (2). Last evaluated 2025-06-16.

Conditions:
Cardiovascular phenotype. Identifiers: MedGen CN230736.
Dilated cardiomyopathy 1KK (CMD1KK). Identifiers: Orphanet 154, Orphanet 75249, MedGen C3714995, MONDO:0014100, OMIM 615248.

Allele frequency attached by ClinVar (database versions not stated): gnomAD exomes 0.00006; TOPMed 0.00019; gnomAD 0.00022 and 0.00023.
gnomAD v4.1: 46 of 1,613,830 alleles (0.0029%); highest among the groups gnomAD compares: Admixed American, 0.077%; 1 homozygote.

Submissions (2):

Ambry Genetics
Classification: Uncertain significance for Cardiovascular phenotype. Last evaluated: 2025-06-16. Review status: criteria provided, single submitter. Criteria: Ambry Variant Classification Scheme 2023. Collection method: clinical testing. Allele origin: germline.

Labcorp Genetics (formerly Invitae), Labcorp
Classification: Uncertain significance for Dilated cardiomyopathy 1KK. Last evaluated: 2022-01-13. Review status: criteria provided, single submitter. Criteria: Invitae Variant Classification Sherloc (09022015). Collection method: clinical testing. Allele origin: germline.
Comment: In summary, the available evidence is currently insufficient to determine the role of this variant in disease. Therefore, it has been classified as a Variant of Uncertain Significance. Algorithms developed to predict the effect of missense changes on protein structure and function are either unavailable or do not agree on the potential impact of this missense change (SIFT: "Deleterious"; PolyPhen-2: "Possibly Damaging"; Align-GVGD: "Class C15"). ClinVar contains an entry for this variant (Variation ID: 843029). This variant has not been reported in the literature in individuals affected with MYPN-related conditions. This variant is present in population databases (no rsID available, gnomAD 0.04%). This sequence change replaces glutamic acid, which is acidic and polar, with lysine, which is basic and polar, at codon 909 of the MYPN protein (p.Glu909Lys).

NM_032578.4(MYPN):c.2725G>A (p.Glu909Lys)

Gene: MYPN (myopalladin; plus strand). Cytogenetic location: 10q21.3.
Variant type: single nucleotide variant.
Coding change: c.2725G>A on transcript NM_032578.4 (MANE Select); coding-DNA position 2725, G replaced by A.
Protein change: p.Glu909Lys; replaces glutamic acid 909 with lysine.
Molecular consequence: missense variant. On other transcripts: non-coding transcript variant (2).
Genome position (GRCh38, 1-based): chr10:68,188,926, G>A. VCF-style: chr10-68188926-G-A. GRCh37 (hg19) VCF-style: chr10-69948683-G-A.
Other names: c.2725G>A, p.Glu909Lys (NM_001256267.2); c.1843G>A, p.Glu615Lys (NM_001256268.2); c.2725G>A (NM_032578.2); short protein forms E615K, E909K.
Identifiers: ClinVar variation 843029 (VCV000843029.8), dbSNP rs1371494498, ClinGen allele CA376853180.
Genomic context (GRCh38, chr10:68,188,926, plus strand): 5'-TGCCATATGGAAATTGAAACACGTTTGTCATTTTGACAGGAGTACAAAATTTCAAGCTTT[G>A]AGCAGAGGCTGATGAATGAAATAGAGTTTCGCTTGGAACGTACTCCTGTTGATGAATCAG-3'
Protein context (NP_115967.2, residues 899-919): NQQEYKISSF[Glu909Lys]QRLMNEIEFR